The following is an entry in ClinVar:

ClinVar aggregate classification (germline): Conflicting classifications of pathogenicity. Review status: criteria provided, conflicting classifications (1 of 4 stars). 2 submissions from 2 submitters: Uncertain significance (1); Likely benign (1). Last evaluated 2025-11-24.

Conditions:
Inborn genetic diseases. Identifiers: MedGen C0950123, MeSH D030342.

Allele frequency attached by ClinVar (database versions not stated): 1000 Genomes Project 30x 0.00016; 1000 Genomes Project 0.00020; gnomAD 0.00017.
gnomAD v4.1: 52 of 1,614,010 alleles (0.0032%); highest among the groups gnomAD compares: Admixed American, 0.072%; no homozygotes.

Submissions (2):

Labcorp Genetics (formerly Invitae), Labcorp
Classification: Uncertain significance. Last evaluated: 2025-11-24. Review status: criteria provided, single submitter. Criteria: Invitae Variant Classification Sherloc (09022015). Collection method: clinical testing. Allele origin: germline.
Comment: This sequence change replaces glycine, which is neutral and non-polar, with serine, which is neutral and polar, at codon 181 of the RIPK1 protein (p.Gly181Ser). This variant is present in population databases (rs115041708, gnomAD 0.06%). This variant has not been reported in the literature in individuals affected with RIPK1-related conditions. ClinVar contains an entry for this variant (Variation ID: 2912440). An algorithm developed to predict the effect of missense changes on protein structure and function outputs the following: PolyPhen-2: "Benign". The serine amino acid residue is found in multiple mammalian species, which suggests that this missense change does not adversely affect protein function. In summary, the available evidence is currently insufficient to determine the role of this variant in disease. Therefore, it has been classified as a Variant of Uncertain Significance.

Ambry Genetics
Classification: Likely benign for Inborn genetic diseases. Last evaluated: 2025-04-01. Review status: criteria provided, single submitter. Criteria: Ambry Variant Classification Scheme 2023. Collection method: clinical testing. Allele origin: germline.

NM_001354930.2(RIPK1):c.541G>A (p.Gly181Ser)

Gene: RIPK1 (receptor interacting serine/threonine kinase 1; plus strand). Cytogenetic location: 6p25.2.
Variant type: single nucleotide variant.
Coding change: c.541G>A on transcript NM_001354930.2 (MANE Select); coding-DNA position 541, G replaced by A.
Protein change: p.Gly181Ser; replaces glycine 181 with serine.
Molecular consequence: missense variant.
Genome position (GRCh38, 1-based): chr6:3,083,166, G>A. VCF-style: chr6-3083166-G-A. GRCh37 (hg19) VCF-style: chr6-3083400-G-A.
Other names: c.541G>A (NM_003804.3); c.52G>A, p.Gly18Ser (NM_001317061.3, NM_001354932.2, NM_001354933.2 and 1 more transcripts); c.403G>A, p.Gly135Ser (NM_001354931.2); c.541G>A, p.Gly181Ser (NM_003804.6); short protein forms G135S, G181S, G18S.
Identifiers: ClinVar variation 2912440 (VCV002912440.4), dbSNP rs115041708, ClinGen allele CA3618216.